The following is an entry in ClinVar:

NM_024408.4(NOTCH2):c.5054C>G (p.Ala1685Gly)

Gene: NOTCH2 (notch receptor 2; minus strand). Cytogenetic location: 1p12.
Variant type: single nucleotide variant.
Coding change: c.5054C>G on transcript NM_024408.4 (MANE Select); coding-DNA position 5054, C replaced by G.
Protein change: p.Ala1685Gly; replaces alanine 1685 with glycine.
Molecular consequence: missense variant.
Genome position (GRCh38, 1-based): chr1:119,922,395, G>C on the plus strand (C>G on the coding strand, the complement: NOTCH2 is on the minus strand). VCF-style: chr1-119922395-G-C. GRCh37 (hg19) VCF-style: chr1-120465018-G-C.
Other names: short protein forms A1685G.
Identifiers: ClinVar variation 4739199 (VCV004739199.1).

ClinVar aggregate classification (germline): Uncertain significance (1 of 4 stars; one submission).

Conditions:
Hajdu-Cheney syndrome (HJCYS). Also called: Acroosteolysis dominant type; ACROOSTEOLYSIS WITH OSTEOPOROSIS AND CHANGES IN SKULL AND MANDIBLE; SERPENTINE FIBULA-POLYCYSTIC KIDNEY SYNDROME. Identifiers: Orphanet 955, MedGen C0917715, MONDO:0007057, OMIM 102500.

gnomAD v4.1: 9 of 1,613,920 alleles (0.00056%); highest among the groups gnomAD compares: Non-Finnish European, 0.00076%; no homozygotes.

Submission:

Labcorp Genetics (formerly Invitae), Labcorp
Classification: Uncertain significance for Hajdu-Cheney syndrome. Last evaluated: 2025-08-29. Review status: criteria provided, single submitter. Criteria: Invitae Variant Classification Sherloc (09022015). Collection method: clinical testing. Allele origin: germline.
Comment: This sequence change replaces alanine, which is neutral and non-polar, with glycine, which is neutral and non-polar, at codon 1685 of the NOTCH2 protein (p.Ala1685Gly). This variant is present in population databases (rs771313011, gnomAD 0.003%). This variant has not been reported in the literature in individuals affected with NOTCH2-related conditions. Invitae Evidence Modeling of protein sequence and biophysical properties (such as structural, functional, and spatial information, amino acid conservation, physicochemical variation, residue mobility, and thermodynamic stability) indicates that this missense variant is not expected to disrupt NOTCH2 protein function with a negative predictive value of 80%. In summary, the available evidence is currently insufficient to determine the role of this variant in disease. Therefore, it has been classified as a Variant of Uncertain Significance.